The following is an entry in ClinVar:

ClinVar aggregate classification (germline): Uncertain significance. Review status: criteria provided, multiple submitters, no conflicts (2 of 4 stars). 2 submissions from 2 submitters: Uncertain significance (2). Last evaluated 2025-01-19.

Conditions:
Gastrointestinal stromal tumor. Also called: Gastrointestinal stromal tumor, somatic; Gastrointestinal stroma tumor. Identifiers: Orphanet 44890, MedGen C0238198, MeSH D046152, MONDO:0011719, OMIM 606764, HP:0100723.
Hereditary cancer-predisposing syndrome. Also called: Tumor predisposition; Hereditary Cancer Syndrome; Hereditary neoplastic syndrome; Neoplastic Syndromes, Hereditary. Identifiers: Orphanet 140162, MedGen C0027672, MeSH D009386, MONDO:0015356.

Submissions (2):

Ambry Genetics
Classification: Uncertain significance for Hereditary cancer-predisposing syndrome. Last evaluated: 2025-01-19. Review status: criteria provided, single submitter. Criteria: Ambry Variant Classification Scheme 2023. Collection method: clinical testing. Allele origin: germline.
Comment: The p.Y350C variant (also known as c.1049A>G), located in coding exon 6 of the KIT gene, results from an A to G substitution at nucleotide position 1049. The tyrosine at codon 350 is replaced by cysteine, an amino acid with highly dissimilar properties. This amino acid position is conserved. In addition, this alteration is predicted to be tolerated by in silico analysis. Based on the available evidence, the clinical significance of this variant remains unclear.

Labcorp Genetics (formerly Invitae), Labcorp
Classification: Uncertain significance for Gastrointestinal stromal tumor. Last evaluated: 2022-02-18. Review status: criteria provided, single submitter. Criteria: Invitae Variant Classification Sherloc (09022015). Collection method: clinical testing. Allele origin: germline.
Comment: In summary, the available evidence is currently insufficient to determine the role of this variant in disease. Therefore, it has been classified as a Variant of Uncertain Significance. Algorithms developed to predict the effect of missense changes on protein structure and function (SIFT, PolyPhen-2, Align-GVGD) all suggest that this variant is likely to be tolerated. ClinVar contains an entry for this variant (Variation ID: 221047). This variant has not been reported in the literature in individuals affected with KIT-related conditions. This variant is not present in population databases (gnomAD no frequency). This sequence change replaces tyrosine, which is neutral and polar, with cysteine, which is neutral and slightly polar, at codon 350 of the KIT protein (p.Tyr350Cys).

NM_000222.3(KIT):c.1049A>G (p.Tyr350Cys)

Gene: KIT (KIT proto-oncogene, receptor tyrosine kinase; plus strand). Cytogenetic location: 4q12.
Variant type: single nucleotide variant.
Coding change: c.1049A>G on transcript NM_000222.3 (MANE Select); coding-DNA position 1049, A replaced by G.
Protein change: p.Tyr350Cys; replaces tyrosine 350 with cysteine.
Molecular consequence: missense variant.
Genome position (GRCh38, 1-based): chr4:54,707,221, A>G. VCF-style: chr4-54707221-A-G. GRCh37 (hg19) VCF-style: chr4-55573387-A-G.
Other names: c.1049A>G, p.Tyr350Cys (NM_001093772.2, NM_001385285.1, NM_001385286.1); c.1052A>G, p.Tyr351Cys (NM_001385284.1, NM_001385288.1, NM_001385290.1 and 1 more transcripts); short protein forms Y350C, Y351C.
Identifiers: ClinVar variation 221047 (VCV000221047.10), dbSNP rs864622728, ClinGen allele CA350416.